The following is an entry in ClinVar:

ClinVar aggregate classification (germline): Conflicting classifications of pathogenicity. Review status: criteria provided, conflicting classifications (1 of 4 stars). 3 submissions from 3 submitters: Likely pathogenic (1); Uncertain significance (1). 1 of the submissions does not count toward it. Last evaluated 2024-10-24.

Conditions:
TUB-related disorder. Also called: TUB-related condition.

Allele frequency attached by ClinVar (database versions not stated): gnomAD 0.00009 and 0.00007; ESP Exome Variant Server 0.00008; 1000 Genomes Project 0.00020; gnomAD exomes 0.00004 and 0.00008; TOPMed 0.00007; ExAC 0.00010; 1000 Genomes Project 30x 0.00016.

Submissions (3):

Blueprint Genetics
Classification: Likely pathogenic for TUB-related disorders. Last evaluated: 2024-10-24. Review status: criteria provided, single submitter. Criteria: ACMG Guidelines, 2015. Collection method: clinical testing. Allele origin: germline. Affected: yes. Observed: 5 variant alleles.

Labcorp Genetics (formerly Invitae), Labcorp
Classification: Uncertain significance. Last evaluated: 2023-09-20. Review status: criteria provided, single submitter. Criteria: Invitae Variant Classification Sherloc (09022015). Collection method: clinical testing. Allele origin: germline.
Comment: In summary, the available evidence is currently insufficient to determine the role of this variant in disease. Therefore, it has been classified as a Variant of Uncertain Significance. ClinVar contains an entry for this variant (Variation ID: 954915). This variant has not been reported in the literature in individuals affected with TUB-related conditions. This variant is present in population databases (rs200417768, gnomAD 0.1%). This sequence change creates a premature translational stop signal (p.Arg49*) in the TUB gene. However, it is currently unclear if variants that occur in this region of the gene cause disease.

PreventionGenetics, part of Exact Sciences
Classification: Uncertain significance for TUB-related condition. Last evaluated: 2024-05-23. Review status: no assertion criteria provided. Collection method: clinical testing. Allele origin: germline. Not counted in ClinVar's aggregate classification.
Comment: The TUB c.145C>T variant is predicted to result in premature protein termination (p.Arg49*). This variant has been reported with another TUB-missense variant in an individual with high myopia (Table S1, Haarman et al. 2022. PubMed ID: 35567543). This variant was also described in a cohort of individuals with suspected autism (Supplementary data 1, Zhou et al. 2022. PubMed ID: 35982159, reported as B:11:8060565:C:T:hg19). However, this variant is reported in 0.11% of alleles in individuals of East Asian descent in gnomAD. At this time, the clinical significance of this variant is uncertain due to the absence of conclusive functional and genetic evidence.

NM_003320.5(TUB):c.145C>T (p.Arg49Ter)

Gene: TUB (TUB bipartite transcription factor; plus strand). Cytogenetic location: 11p15.4.
Variant type: single nucleotide variant.
Coding change: c.145C>T on transcript NM_003320.5; coding-DNA position 145, C replaced by T.
Protein change: p.Arg49Ter; replaces arginine 49 with a stop codon.
Molecular consequence: nonsense. On other transcripts: intron variant (4).
Genome position (GRCh38, 1-based): chr11:8,039,018, C>T. VCF-style: chr11-8039018-C-T. GRCh37 (hg19) VCF-style: chr11-8060565-C-T.
Other names: c.56+19660C>T (NM_001440538.1, NM_001440539.1, NM_001440540.1 and 1 more transcripts); short protein forms R49*.
Identifiers: ClinVar variation 954915 (VCV000954915.10), dbSNP rs200417768, ClinGen allele CA5870823.